The following is an entry in ClinVar:

ClinVar aggregate classification (germline): Uncertain significance. Review status: criteria provided, multiple submitters, no conflicts (2 of 4 stars). 2 submissions from 2 submitters: Uncertain significance (2). Last evaluated 2025-10-30.

Conditions:
Paget disease of bone 2, early-onset (PDB2). Also called: Paget disease of bone 2. Identifiers: MedGen C4085251, MONDO:0011183, OMIM 602080.
Frontotemporal dementia and/or amyotrophic lateral sclerosis 1 (FTDALS1). Also called: C9orf72 Frontotemporal Dementia and/or Amyotrophic Lateral Sclerosis; Frontotemporal dementia with motor neuron disease 1. Identifiers: Orphanet 275872, MedGen C5779877, MONDO:0007105, OMIM 105550.

Allele frequency attached by ClinVar (database versions not stated): ExAC 0.00001; ESP Exome Variant Server 0.00008.
gnomAD v4.1: 21 of 1,613,664 alleles (0.0013%); highest among the groups gnomAD compares: Admixed American, 0.0033%; no homozygotes.

Submissions (2):

Labcorp Genetics (formerly Invitae), Labcorp
Classification: Uncertain significance for Paget disease of bone 2, early-onset; Frontotemporal dementia and/or amyotrophic lateral sclerosis 1. Last evaluated: 2025-10-30. Review status: criteria provided, single submitter. Criteria: Invitae Variant Classification Sherloc (09022015). Collection method: clinical testing. Allele origin: germline.
Comment: This sequence change replaces arginine, which is basic and polar, with cysteine, which is neutral and slightly polar, at codon 212 of the SQSTM1 protein (p.Arg212Cys). This variant is present in population databases (rs201263163, gnomAD 0.003%). This missense change has been observed in individual(s) with frontotemporal dementia and amyotrophic lateral sclerosis, as well as in individual(s) with normal tension glaucoma (PMID: 24899140, 27275741). ClinVar contains an entry for this variant (Variation ID: 1439801). Invitae Evidence Modeling of protein sequence and biophysical properties (such as structural, functional, and spatial information, amino acid conservation, physicochemical variation, residue mobility, and thermodynamic stability) indicates that this missense variant is not expected to disrupt SQSTM1 protein function with a negative predictive value of 80%. In summary, the available evidence is currently insufficient to determine the role of this variant in disease. Therefore, it has been classified as a Variant of Uncertain Significance.

GeneDx
Classification: Uncertain significance. Last evaluated: 2022-12-16. Review status: criteria provided, single submitter. Criteria: GeneDx Variant Classification Process June 2021. Collection method: clinical testing. Allele origin: germline. Affected: yes.
Comment: Reported previously in a patient with concomitant FTLD and ALS, who also harbored a repeat expansion in the C9orf72 gene (van der Zee J et al., 2014); In silico analysis supports that this missense variant does not alter protein structure/function; Not observed at significant frequency in large population cohorts (gnomAD); This variant is associated with the following publications: (PMID: 27275741, 26234378, 32594029, 29605155, 24899140)

Literature cited by the submitters: PubMed 24899140 (cited by Labcorp Genetics (formerly Invitae), Labcorp); PubMed 27275741 (cited by Labcorp Genetics (formerly Invitae), Labcorp).

NM_003900.5(SQSTM1):c.634C>T (p.Arg212Cys)

Gene: SQSTM1 (sequestosome 1; plus strand). Cytogenetic location: 5q35.3.
Variant type: single nucleotide variant.
Coding change: c.634C>T on transcript NM_003900.5 (MANE Select); coding-DNA position 634, C replaced by T.
Protein change: p.Arg212Cys; replaces arginine 212 with cysteine.
Molecular consequence: missense variant.
Genome position (GRCh38, 1-based): chr5:179,824,284, C>T. VCF-style: chr5-179824284-C-T. GRCh37 (hg19) VCF-style: chr5-179251284-C-T.
Other names: c.382C>T, p.Arg128Cys (NM_001142298.2, NM_001142299.2); short protein forms R212C, R128C.
Identifiers: ClinVar variation 1439801 (VCV001439801.9), dbSNP rs201263163, ClinGen allele CA3600585.